The following is an entry in ClinVar:

ClinVar aggregate classification (germline): Uncertain significance (1 of 4 stars; one submission).

gnomAD v4.1: 1 of 1,535,708 alleles (0.000065%); highest among the groups gnomAD compares: African/African-American, 0.0014%; no homozygotes.

Submission:

GeneDx
Classification: Uncertain significance. Last evaluated: 2024-04-10. Review status: criteria provided, single submitter. Criteria: GeneDx Variant Classification Process June 2021. Collection method: clinical testing. Allele origin: germline. Affected: yes.
Comment: Not observed at significant frequency in large population cohorts (gnomAD); In silico analysis indicates that this missense variant does not alter protein structure/function; Has not been previously published as pathogenic or benign to our knowledge; Reported using an alternate transcript of the gene

NM_001352754.2(ARMC9):c.2342A>G (p.Lys781Arg)

Gene: ARMC9 (armadillo repeat containing 9; plus strand). Cytogenetic location: 2q37.1.
Variant type: single nucleotide variant.
Coding change: c.2342A>G on transcript NM_001352754.2 (MANE Select); coding-DNA position 2342, A replaced by G.
Protein change: p.Lys781Arg; replaces lysine 781 with arginine.
Molecular consequence: missense variant.
Genome position (GRCh38, 1-based): chr2:231,370,033, A>G. VCF-style: chr2-231370033-A-G. GRCh37 (hg19) VCF-style: chr2-232234744-A-G.
Other names: c.2342A>G, p.Lys781Arg (NM_001271466.4); short protein forms K781R.
Identifiers: ClinVar variation 3372204 (VCV003372204.1).